The following is an entry in ClinVar:

ClinVar aggregate classification (germline): Likely benign. Review status: criteria provided, multiple submitters, no conflicts (2 of 4 stars). 2 submissions from 2 submitters: Likely benign (2). Last evaluated 2024-12-01.

Conditions:
Branchiootic syndrome 3 (BOS3). Also called: BO SYNDROME 3. Identifiers: MedGen C1842124, MONDO:0012025, OMIM 608389.
Autosomal dominant nonsyndromic hearing loss 23. Identifiers: Orphanet 90635, MedGen C1854594, MONDO:0011519, OMIM 605192.

Allele frequency attached by ClinVar (database versions not stated): gnomAD 0.00004 and 0.00005; gnomAD exomes 0.00005; TOPMed 0.00005; ExAC 0.00007.

Submissions (2):

CeGaT Center for Human Genetics Tuebingen
Classification: Likely benign. Last evaluated: 2024-12-01. Review status: criteria provided, single submitter. Criteria: CeGaT Center For Human Genetics Tuebingen Variant Classification Criteria Version 2. Collection method: clinical testing. Allele origin: germline. Affected: yes. Observed: 1 variant allele.
Comment: SIX1: BP4, BP7

Labcorp Genetics (formerly Invitae), Labcorp
Classification: Likely benign for Autosomal dominant nonsyndromic hearing loss 23; Branchiootic syndrome 3. Last evaluated: 2020-08-19. Review status: criteria provided, single submitter. Criteria: Invitae Variant Classification Sherloc (09022015). Collection method: clinical testing. Allele origin: germline.

NM_005982.4(SIX1):c.720C>T (p.His240=)

Gene: SIX1 (SIX homeobox 1; minus strand). Cytogenetic location: 14q23.1.
Variant type: single nucleotide variant.
Coding change: c.720C>T on transcript NM_005982.4 (MANE Select); coding-DNA position 720, C replaced by T.
Protein change: p.His240=; no amino-acid change (histidine 240 retained).
Molecular consequence: synonymous variant.
Genome position (GRCh38, 1-based): chr14:60,646,418, G>A on the plus strand (C>T on the coding strand, the complement: SIX1 is on the minus strand). VCF-style: chr14-60646418-G-A. GRCh37 (hg19) VCF-style: chr14-61113136-G-A.
Identifiers: ClinVar variation 1110577 (VCV001110577.17), dbSNP rs759290962, ClinGen allele CA7212729.